The following is an entry in ClinVar:

ClinVar aggregate classification (germline): Uncertain significance (1 of 4 stars; one submission).

Conditions:
TNS1-related disorder. Also called: TNS1-related condition.

gnomAD v4.1: 1 of 1,603,468 alleles (0.000062%); highest among the groups gnomAD compares: Non-Finnish European, 0.000085%; no homozygotes.

Submission:

PreventionGenetics, part of Exact Sciences
Classification: Uncertain significance for TNS1-related condition. Last evaluated: 2026-03-08. Review status: criteria provided, single submitter. Criteria: ACMG Guidelines, 2015. Collection method: clinical testing. Allele origin: germline.
Comment: The TNS1 c.1984C>T variant is predicted to result in the amino acid substitution p.Pro662Ser. To our knowledge, this variant has not been reported in the literature or in a large population database (gnomAD), indicating this variant is rare. At this time, the clinical significance of this variant is uncertain due to the absence of conclusive functional and genetic evidence.

NM_001387777.1(TNS1):c.2359C>T (p.Pro787Ser)

Gene: TNS1 (tensin 1; minus strand). Cytogenetic location: 2q35.
Variant type: single nucleotide variant.
Coding change: c.2359C>T on transcript NM_001387777.1 (MANE Select); coding-DNA position 2359, C replaced by T.
Protein change: p.Pro787Ser; replaces proline 787 with serine.
Molecular consequence: missense variant.
Genome position (GRCh38, 1-based): chr2:217,848,158, G>A on the plus strand (C>T on the coding strand, the complement: TNS1 is on the minus strand). VCF-style: chr2-217848158-G-A. GRCh37 (hg19) VCF-style: chr2-218712881-G-A.
Other names: c.1984C>T, p.Pro662Ser (NM_001308022.2, NM_001308023.2, NM_022648.7); c.2422C>T, p.Pro808Ser (NM_001438865.1); c.2359C>T, p.Pro787Ser (NM_001438866.1); c.2179C>T, p.Pro727Ser (NM_001438867.1); c.616C>T, p.Pro206Ser (NM_001438868.1, NM_001438869.1); short protein forms P662S, P787S, P808S, P206S, P727S.
Identifiers: ClinVar variation 4994506 (VCV004994506.1).